The following is an entry in ClinVar:

NM_000350.3(ABCA4):c.293A>G (p.Asn98Ser)

Gene: ABCA4 (ATP binding cassette subfamily A member 4; minus strand). Cytogenetic location: 1p22.1.
Variant type: single nucleotide variant.
Coding change: c.293A>G on transcript NM_000350.3 (MANE Select); coding-DNA position 293, A replaced by G.
Protein change: p.Asn98Ser; replaces asparagine 98 with serine.
Molecular consequence: missense variant.
Genome position (GRCh38, 1-based): chr1:94,111,447, T>C on the plus strand (A>G on the coding strand, the complement: ABCA4 is on the minus strand). VCF-style: chr1-94111447-T-C. GRCh37 (hg19) VCF-style: chr1-94577003-T-C.
Other names: c.293A>G, p.Asn98Ser (NM_001425324.1); short protein forms N98S.
Identifiers: ClinVar variation 4799903 (VCV004799903.2).

ClinVar aggregate classification (germline): Likely pathogenic. Review status: criteria provided, multiple submitters, no conflicts (2 of 4 stars). 2 submissions from 2 submitters: Likely pathogenic (2). Last evaluated 2025-10-14.

Conditions:
ABCA4-related disorder. Also called: ABCA4-related condition; ABCA4-related disorders. Identifiers: MedGen CN239167.

Submissions (2):

Labcorp Genetics (formerly Invitae), Labcorp
Classification: Likely pathogenic. Last evaluated: 2025-10-14. Review status: criteria provided, single submitter. Criteria: Invitae Variant Classification Sherloc (09022015). Collection method: clinical testing. Allele origin: germline.
Comment: This sequence change replaces asparagine, which is neutral and polar, with serine, which is neutral and polar, at codon 98 of the ABCA4 protein (p.Asn98Ser). This variant is not present in population databases (gnomAD no frequency). This missense change has been observed in individual(s) with clinical features of ABCA4-related conditions and/or Stargardt disease (PMID: 38219857; internal data). Invitae Evidence Modeling of protein sequence and biophysical properties (such as structural, functional, and spatial information, amino acid conservation, physicochemical variation, residue mobility, and thermodynamic stability) indicates that this missense variant is expected to disrupt ABCA4 protein function with a positive predictive value of 95%. In summary, the currently available evidence indicates that the variant is pathogenic, but additional data are needed to prove that conclusively. Therefore, this variant has been classified as Likely Pathogenic.

Blueprint Genetics
Classification: Likely pathogenic for ABCA4-related disorders. Last evaluated: 2021-09-17. Review status: criteria provided, single submitter. Criteria: ACMG Guidelines, 2015. Collection method: clinical testing. Allele origin: germline. Affected: yes. Observed: 1 variant allele.

Literature cited by the submitters: PubMed 38219857 (cited by Labcorp Genetics (formerly Invitae), Labcorp).